The following is an entry in ClinVar:

ClinVar aggregate classification (germline): Uncertain significance. Review status: criteria provided, multiple submitters, no conflicts (2 of 4 stars). 4 submissions from 4 submitters: Uncertain significance (4). Last evaluated 2025-05-14.

Conditions:
Hereditary cancer-predisposing syndrome. Also called: Neoplastic Syndromes, Hereditary; Tumor predisposition; Hereditary neoplastic syndrome; Hereditary Cancer Syndrome. Identifiers: Orphanet 140162, MedGen C0027672, MeSH D009386, MONDO:0015356.
Familial adenomatous polyposis 1 (FAP1). Also called: POLYPOSIS, ADENOMATOUS INTESTINAL; FAMILIAL ADENOMATOUS POLYPOSIS 1, ATTENUATED. Identifiers: MedGen C2713442, MONDO:0021056, OMIM 175100. Disease mechanism: loss of function.

Allele frequency attached by ClinVar (database versions not stated): gnomAD exomes below 0.00001; TOPMed below 0.00001; ExAC 0.00001.
gnomAD v4.1: 1 of 1,613,058 alleles (0.000062%); highest among the groups gnomAD compares: African/African-American, 0.0013%; no homozygotes.

Submissions (4):

Ambry Genetics
Classification: Uncertain significance for Hereditary cancer-predisposing syndrome. Last evaluated: 2025-05-14. Review status: criteria provided, single submitter. Criteria: Ambry Variant Classification Scheme 2023. Collection method: clinical testing. Allele origin: germline.
Comment: The p.K2196R variant (also known as c.6587A>G), located in coding exon 15 of the APC gene, results from an A to G substitution at nucleotide position 6587. The lysine at codon 2196 is replaced by arginine, an amino acid with highly similar properties. This amino acid position is conserved. In addition, in silico predictors for this gene do not accurately predict pathogenicity. Missense alterations in APC are not a common cause of disease (Spier I et al. Genet Med. 2024 Feb;26(2):100992). Since supporting evidence is limited at this time, the clinical significance of this alteration remains unclear.

GeneDx
Classification: Uncertain significance. Last evaluated: 2025-03-25. Review status: criteria provided, single submitter. Criteria: GeneDx Variant Classification Process June 2021. Collection method: clinical testing. Allele origin: germline. Affected: yes.
Comment: Not observed at significant frequency in large population cohorts (gnomAD); In silico analysis indicates that this missense variant does not alter protein structure/function; Has not been previously published as pathogenic or benign to our knowledge; This variant is associated with the following publications: (PMID: 33057194, 35982159)

Labcorp Genetics (formerly Invitae), Labcorp
Classification: Uncertain significance for Familial adenomatous polyposis 1. Last evaluated: 2024-04-09. Review status: criteria provided, single submitter. Criteria: Invitae Variant Classification Sherloc (09022015). Collection method: clinical testing. Allele origin: germline.
Comment: This sequence change replaces lysine, which is basic and polar, with arginine, which is basic and polar, at codon 2196 of the APC protein (p.Lys2196Arg). This variant is present in population databases (rs765877447, gnomAD 0.007%). This variant has not been reported in the literature in individuals affected with APC-related conditions. ClinVar contains an entry for this variant (Variation ID: 628614). Advanced modeling of protein sequence and biophysical properties (such as structural, functional, and spatial information, amino acid conservation, physicochemical variation, residue mobility, and thermodynamic stability) performed at Invitae indicates that this missense variant is not expected to disrupt APC protein function with a negative predictive value of 95%. In summary, the available evidence is currently insufficient to determine the role of this variant in disease. Therefore, it has been classified as a Variant of Uncertain Significance.

Color Diagnostics, LLC DBA Color Health
Classification: Uncertain significance for Hereditary cancer-predisposing syndrome. Last evaluated: 2019-01-17. Review status: criteria provided, single submitter. Criteria: ACMG Guidelines, 2015. Collection method: clinical testing. Allele origin: germline.

NM_000038.6(APC):c.6587A>G (p.Lys2196Arg)

Gene: APC (APC regulator of Wnt signaling pathway; plus strand). Cytogenetic location: 5q22.2.
Variant type: single nucleotide variant.
Coding change: c.6587A>G on transcript NM_000038.6 (MANE Select); coding-DNA position 6587, A replaced by G.
Protein change: p.Lys2196Arg; replaces lysine 2196 with arginine.
Molecular consequence: missense variant.
Genome position (GRCh38, 1-based): chr5:112,842,181, A>G. VCF-style: chr5-112842181-A-G. GRCh37 (hg19) VCF-style: chr5-112177878-A-G.
Other names: c.6587A>G, p.Lys2196Arg (NM_001127510.3, NM_001354895.2); c.6533A>G, p.Lys2178Arg (NM_001127511.3); c.6641A>G, p.Lys2214Arg (NM_001354896.2); c.6617A>G, p.Lys2206Arg (NM_001354897.2); c.6512A>G, p.Lys2171Arg (NM_001354898.2); c.6503A>G, p.Lys2168Arg (NM_001354899.2); c.6464A>G, p.Lys2155Arg (NM_001354900.2); c.6410A>G, p.Lys2137Arg (NM_001354901.2); and 5 more; short protein forms K2178R, K2196R, K2214R, K2070R, K2095R, K2168R, K2171R, K2206R.
Identifiers: ClinVar variation 628614 (VCV000628614.13), dbSNP rs765877447, ClinGen allele CA045448.